The following is an entry in ClinVar:

NM_001267550.2(TTN):c.68859_68862dup (p.Gly22955fs)

Genes: TTN-AS1 (TTN antisense RNA 1; plus strand), TTN (titin; minus strand). Cytogenetic location: 2q31.2.
Variant type: Duplication.
Coding change: c.68859_68862dup on transcript NM_001267550.2 (MANE Select); coding-DNA positions 68859 to 68862, 4 bases duplicated (AGAT; older notation c.68859_68862dupAGAT).
Protein change: p.Gly22955fs; shifts the reading frame from glycine 22955.
Molecular consequence: frameshift variant.
Genome position (GRCh38, 1-based): chr2:178,577,473-178,577,476, ATCT duplicated on the plus strand (AGAT on the coding strand, the reverse complement: TTN is on the minus strand). VCF-style (leftmost placement, unchanged base first): chr2-178577472-C-CATCT. GRCh37 (hg19) VCF-style: chr2-179442199-C-CATCT.
Other names: c.63936_63939dup, p.Gly21314fs (NM_001256850.1); c.41664_41667dup, p.Gly13890fs (NM_003319.4); c.61155_61158dup, p.Gly20387fs (NM_133378.4); c.42039_42042dup, p.Gly14015fs (NM_133432.3); c.42240_42243dup, p.Gly14082fs (NM_133437.4); short protein forms G13890fs, G14015fs, G14082fs, G20387fs, G21314fs, G22955fs.
Identifiers: ClinVar variation 1067439 (VCV001067439.9), dbSNP rs2154173774, ClinGen allele CA2499215375.

ClinVar aggregate classification (germline): Likely pathogenic (1 of 4 stars; one submission).

Conditions:
Dilated cardiomyopathy 1G (CMD1G). Identifiers: Orphanet 154, MedGen C1858763, MONDO:0011400, OMIM 604145.
Autosomal recessive limb-girdle muscular dystrophy type 2J (LGMDR10). Also called: Limb-girdle muscular dystrophy, type 2J; MUSCULAR DYSTROPHY, LIMB-GIRDLE, AUTOSOMAL RECESSIVE 10. Identifiers: Orphanet 140922, MedGen C1837342, MONDO:0012127, OMIM 608807.

Submission:

Labcorp Genetics (formerly Invitae), Labcorp
Classification: Likely pathogenic for Dilated cardiomyopathy 1G; Autosomal recessive limb-girdle muscular dystrophy type 2J. Last evaluated: 2020-06-10. Review status: criteria provided, single submitter. Criteria: Invitae Variant Classification Sherloc (09022015). Collection method: clinical testing. Allele origin: germline.
Comment: This sequence change results in a premature translational stop signal in the TTN gene (p.Gly22955Argfs*6). While this is not anticipated to result in nonsense mediated decay, it is expected to create a truncated TTN protein. This variant is not present in population databases (ExAC no frequency). This variant is located in the A band of TTN (PMID: 25589632). Truncating variants in this region are significantly overrepresented in patients affected with dilated cardiomyopathy (PMID: 25589632). Truncating variants in this region have also been reported in individuals affected with autosomal recessive centronuclear myopathy (PMID: 23975875). In summary, the currently available evidence indicates that the variant is pathogenic, but additional data are needed to prove that conclusively. Therefore, this variant has been classified as Likely Pathogenic. This variant has not been reported in the literature in individuals with TTN-related conditions.

Literature cited by the submitters: PubMed 25589632; PubMed 23975875.